The following is an entry in ClinVar:

NM_052874.5(STX1B):c.205_205+1del

Gene: STX1B (syntaxin 1B; minus strand). Cytogenetic location: 16p11.2.
Variant type: Microsatellite.
Coding change: c.205_205+1del on transcript NM_052874.5 (MANE Select); coding-DNA position 205 through the canonical splice donor site of the intron after coding-DNA position 205, 2 bases deleted (AG; older notation c.205_205+1delAG).
Molecular consequence: splice donor variant.
Genome position (GRCh38, 1-based): chr16:31,001,093-31,001,094, CT deleted on the plus strand (AG on the coding strand, the reverse complement: STX1B is on the minus strand); deleting any 2 consecutive bases within chr16:31,001,093-31,001,097 gives the same sequence; the c. name uses the placement nearest the transcript's 3' end. VCF-style (leftmost placement, unchanged base first): chr16-31001092-ACT-A. GRCh37 (hg19) VCF-style: chr16-31012413-ACT-A.
Identifiers: ClinVar variation 1451994 (VCV001451994.6), dbSNP rs2143677618, ClinGen allele CA2580613471.

ClinVar aggregate classification (germline): Pathogenic (1 of 4 stars; one submission).

Conditions:
Generalized epilepsy with febrile seizures plus, type 9 (GEFSP9). Also called: GEFS+, TYPE 9. Identifiers: Orphanet 36387, MedGen C4015395, MONDO:0014517, OMIM 616172.

Submission:

Labcorp Genetics (formerly Invitae), Labcorp
Classification: Pathogenic for Generalized epilepsy with febrile seizures plus, type 9. Last evaluated: 2023-08-17. Review status: criteria provided, single submitter. Criteria: Invitae Variant Classification Sherloc (09022015). Collection method: clinical testing. Allele origin: germline.
Comment: This variant has not been reported in the literature in individuals affected with STX1B-related conditions. For these reasons, this variant has been classified as Pathogenic. Algorithms developed to predict the effect of sequence changes on RNA splicing suggest that this variant may disrupt the consensus splice site. This variant is also known as c.205_205+1. This variant is not present in population databases (gnomAD no frequency). This sequence change creates a premature translational stop signal (p.Lys69Aspfs*31) in the STX1B gene. It is expected to result in an absent or disrupted protein product. Loss-of-function variants in STX1B are known to be pathogenic (PMID: 25362483).

Literature cited by the submitters: PubMed 25362483.